The following is an entry in ClinVar:

ClinVar aggregate classification (germline): Conflicting classifications of pathogenicity. Review status: criteria provided, conflicting classifications (1 of 4 stars). 2 submissions from 2 submitters: Uncertain significance (1); Likely benign (1). Last evaluated 2025-06-13.

Conditions:
Inborn genetic diseases. Identifiers: MedGen C0950123, MeSH D030342.
Cataract 33. Also called: CATARACT 33, CORTICAL. Identifiers: Orphanet 91492, MedGen C3808107, MONDO:0012665, OMIM 611391.

gnomAD v4.1: 16 of 1,605,210 alleles (0.001%); highest among the groups gnomAD compares: South Asian, 0.0045%; no homozygotes.

Submissions (2):

Labcorp Genetics (formerly Invitae), Labcorp
Classification: Uncertain significance for Cataract 33. Last evaluated: 2025-06-13. Review status: criteria provided, single submitter. Criteria: Invitae Variant Classification Sherloc (09022015). Collection method: clinical testing. Allele origin: germline.
Comment: This sequence change replaces arginine, which is basic and polar, with glutamine, which is neutral and polar, at codon 229 of the BFSP1 protein (p.Arg229Gln). The frequency data for this variant in the population databases is considered unreliable, as metrics indicate poor data quality at this position in the gnomAD database. This variant has not been reported in the literature in individuals affected with BFSP1-related conditions. Invitae Evidence Modeling of protein sequence and biophysical properties (such as structural, functional, and spatial information, amino acid conservation, physicochemical variation, residue mobility, and thermodynamic stability) indicates that this missense variant is not expected to disrupt BFSP1 protein function with a negative predictive value of 80%. In summary, the available evidence is currently insufficient to determine the role of this variant in disease. Therefore, it has been classified as a Variant of Uncertain Significance.

Ambry Genetics
Classification: Likely benign for Inborn genetic diseases. Last evaluated: 2025-04-03. Review status: criteria provided, single submitter. Criteria: Ambry Variant Classification Scheme 2023. Collection method: clinical testing. Allele origin: germline.

NM_001195.5(BFSP1):c.686G>A (p.Arg229Gln)

Gene: BFSP1 (beaded filament structural protein 1; minus strand). Cytogenetic location: 20p12.1.
Variant type: single nucleotide variant.
Coding change: c.686G>A on transcript NM_001195.5 (MANE Select); coding-DNA position 686, G replaced by A.
Protein change: p.Arg229Gln; replaces arginine 229 with glutamine.
Molecular consequence: missense variant. On other transcripts: intron variant (1).
Genome position (GRCh38, 1-based): chr20:17,508,938, C>T on the plus strand (G>A on the coding strand, the complement: BFSP1 is on the minus strand). VCF-style: chr20-17508938-C-T. GRCh37 (hg19) VCF-style: chr20-17489583-C-T.
Other names: c.311G>A, p.Arg104Gln (NM_001161705.2); c.269G>A, p.Arg90Gln (NM_001278606.2, NM_001278608.2); c.353G>A, p.Arg118Gln (NM_001278607.2); c.627+3038G>A (NM_001424338.1); short protein forms R104Q, R118Q, R229Q, R90Q.
Identifiers: ClinVar variation 3991354 (VCV003991354.2).
Genomic context (GRCh38, chr20:17,508,938, plus strand): 5'-CTCGAGCGTACCTGTGCCTGCAGCTCCACTCTCTGCGCCTGCAGGTGGGAGAGCACCTCC[C>T]GGCCCTCCTCCAGCTGACTCCGCAGGGCGGCCACCTCCCGCTCCGTCAGGAGCTTCTCCT-3'
Protein context (NP_001186.1, residues 219-239): AALRSQLEEG[Arg229Gln]EVLSHLQAQR